The following is an entry in ClinVar:

ClinVar aggregate classification (germline): Pathogenic. Review status: criteria provided, multiple submitters, no conflicts (2 of 4 stars). 3 submissions from 3 submitters: Pathogenic (3). Last evaluated 2025-06-12.

Allele frequency attached by ClinVar (database versions not stated): gnomAD exomes 0.00001 and 0.00002; ExAC 0.00002; gnomAD 0.00002 and 0.00003; TOPMed 0.00002.

Submissions (3):

Mayo Clinic Laboratories, Mayo Clinic
Classification: Pathogenic. Last evaluated: 2025-06-12. Review status: criteria provided, single submitter. Criteria: ACMG Guidelines, 2015. Collection method: clinical testing. Allele origin: germline. Observed: 7 variant alleles.
Comment: PP3_strong, PP4, PM1, PS3, PS4

GeneDx
Classification: Pathogenic. Last evaluated: 2024-10-29. Review status: criteria provided, single submitter. Criteria: GeneDx Variant Classification Process June 2021. Collection method: clinical testing. Allele origin: germline. Affected: yes.
Comment: Observed with a second FECH variant, often the hypomorphic allele c.315-48T>C (IVS3-48C), in unrelated patients with clinical and biochemical features of erythropoietic protoporphyria in the published literature (PMID: 20105171, 33021473, 10942404, 23364466, 30391163); Published functional studies demonstrate a damaging effect (PMID: 10942404); In silico analysis supports that this missense variant has a deleterious effect on protein structure/function; This variant is associated with the following publications: (PMID: 30391163, 10942404, 20105171, 33021473, 16385445, 23364466, 11039124, 28614581)

Labcorp Genetics (formerly Invitae), Labcorp
Classification: Pathogenic. Last evaluated: 2024-06-10. Review status: criteria provided, single submitter. Criteria: Invitae Variant Classification Sherloc (09022015). Collection method: clinical testing. Allele origin: germline.
Comment: This sequence change replaces cysteine, which is neutral and slightly polar, with glycine, which is neutral and non-polar, at codon 411 of the FECH protein (p.Cys411Gly). This variant is present in population databases (rs146899669, gnomAD 0.004%). This missense change has been observed in individual(s) with erythropoietic protoporphyria (PMID: 10942404, 16385445, 20105171, 33021473; Invitae). ClinVar contains an entry for this variant (Variation ID: 242756). An algorithm developed to predict the effect of missense changes on protein structure and function (PolyPhen-2) suggests that this variant is likely to be disruptive. Experimental studies have shown that this missense change affects FECH function (PMID: 10942404). This variant disrupts the p.Cys411 amino acid residue in FECH. Other variant(s) that disrupt this residue have been observed in individuals with FECH-related conditions (PMID: 23364466, 27704751; Invitae), which suggests that this may be a clinically significant amino acid residue. For these reasons, this variant has been classified as Pathogenic.

Literature cited by the submitters: PubMed 10942404 (cited by Mayo Clinic Laboratories, Mayo Clinic and Labcorp Genetics (formerly Invitae), Labcorp); PubMed 14567969 (cited by Mayo Clinic Laboratories, Mayo Clinic); PubMed 16385445 (cited by Mayo Clinic Laboratories, Mayo Clinic and Labcorp Genetics (formerly Invitae), Labcorp); PubMed 20105171 (cited by Mayo Clinic Laboratories, Mayo Clinic and Labcorp Genetics (formerly Invitae), Labcorp); PubMed 23364466 (cited by Mayo Clinic Laboratories, Mayo Clinic and Labcorp Genetics (formerly Invitae), Labcorp); PubMed 28614581 (cited by Mayo Clinic Laboratories, Mayo Clinic); PubMed 30041937 (cited by Mayo Clinic Laboratories, Mayo Clinic); PubMed 30391163 (cited by Mayo Clinic Laboratories, Mayo Clinic); PubMed 33021473 (cited by Mayo Clinic Laboratories, Mayo Clinic and Labcorp Genetics (formerly Invitae), Labcorp); PubMed 27704751 (cited by Labcorp Genetics (formerly Invitae), Labcorp).

NM_000140.5(FECH):c.1231T>G (p.Cys411Gly)

Gene: FECH (ferrochelatase; minus strand). Cytogenetic location: 18q21.31.
Variant type: single nucleotide variant.
Coding change: c.1231T>G on transcript NM_000140.5 (MANE Select); coding-DNA position 1231, T replaced by G.
Protein change: p.Cys411Gly; replaces cysteine 411 with glycine.
Molecular consequence: missense variant.
Genome position (GRCh38, 1-based): chr18:57,550,753, A>C on the plus strand (T>G on the coding strand, the complement: FECH is on the minus strand). VCF-style: chr18-57550753-A-C. GRCh37 (hg19) VCF-style: chr18-55217985-A-C.
Other names: p.Cys411Gly; c.1249T>G, p.Cys417Gly (NM_001012515.4); c.1132T>G, p.Cys378Gly (NM_001371094.1); c.1015T>G, p.Cys339Gly (NM_001371095.1); c.1171T>G, p.Cys391Gly (NM_001374778.1); c.1231T>G (NM_000140.4); short protein forms C411G, C417G, C339G, C378G, C391G.
Identifiers: ClinVar variation 242756 (VCV000242756.11), dbSNP rs146899669, ClinGen allele CA006500.